The following is an entry in ClinVar:

NM_000548.5(TSC2):c.362C>T (p.Ala121Val)

Gene: TSC2 (TSC complex subunit 2; plus strand). Cytogenetic location: 16p13.3.
Variant type: single nucleotide variant.
Coding change: c.362C>T on transcript NM_000548.5 (MANE Select); coding-DNA position 362, C replaced by T.
Protein change: p.Ala121Val; replaces alanine 121 with valine.
Molecular consequence: missense variant. On other transcripts: intron variant (1).
Genome position (GRCh38, 1-based): chr16:2,054,321, C>T. VCF-style: chr16-2054321-C-T. GRCh37 (hg19) VCF-style: chr16-2104322-C-T.
Other names: c.362C>T, p.Ala121Val (NM_001370405.1, NM_021055.3, NM_001077183.3 and 3 more transcripts); c.-1-1875C>T (NM_001318831.2); c.251C>T, p.Ala84Val (NM_001318827.2); c.215C>T, p.Ala72Val (NM_001318829.2); c.395C>T, p.Ala132Val (NM_001318832.2); c.362C>T (NM_000548.3); short protein forms A121V, A132V, A72V, A84V.
Identifiers: ClinVar variation 1016743 (VCV001016743.10), dbSNP rs767755750, ClinGen allele CA394306626.
Genomic context (GRCh38, chr16:2,054,321, plus strand): 5'-GCAGGCTCTGCTGATCCTGTGGCTTTTGTCTTTAGGGCGAGCGTTTGGGGGTCCTCAGAG[C>T]CCTCTTCTTTAAGGTCATCAAGGATTACCCTTCCAACGAAGACCTTCACGAAAGGCTGGA-3'
Protein context (NP_000539.2, residues 111-131): GQGERLGVLR[Ala121Val]LFFKVIKDYP

ClinVar aggregate classification (germline): Uncertain significance. Review status: criteria provided, multiple submitters, no conflicts (2 of 4 stars). 2 submissions from 2 submitters: Uncertain significance (2). Last evaluated 2026-04-15.

Conditions:
Hereditary cancer-predisposing syndrome. Also called: Hereditary neoplastic syndrome; Neoplastic Syndromes, Hereditary; Tumor predisposition; Hereditary Cancer Syndrome. Identifiers: Orphanet 140162, MedGen C0027672, MeSH D009386, MONDO:0015356.
Tuberous sclerosis 2 (TSC2). Identifiers: Orphanet 805, MedGen C1860707, MONDO:0013199, OMIM 613254.

Submissions (2):

Ambry Genetics
Classification: Uncertain significance for Hereditary cancer-predisposing syndrome. Last evaluated: 2026-04-15. Review status: criteria provided, single submitter. Criteria: Ambry Variant Classification Scheme 2023. Collection method: clinical testing. Allele origin: germline.
Comment: The p.A121V variant (also known as c.362C>T), located in coding exon 4 of the TSC2 gene, results from a C to T substitution at nucleotide position 362. The alanine at codon 121 is replaced by valine, an amino acid with similar properties. This amino acid position is conserved. In addition, the in silico prediction for this alteration is inconclusive. Based on the available evidence, the clinical significance of this variant remains unclear.

Labcorp Genetics (formerly Invitae), Labcorp
Classification: Uncertain significance for Tuberous sclerosis 2. Last evaluated: 2022-08-31. Review status: criteria provided, single submitter. Criteria: Invitae Variant Classification Sherloc (09022015). Collection method: clinical testing. Allele origin: germline.
Comment: ClinVar contains an entry for this variant (Variation ID: 1016743). This variant has not been reported in the literature in individuals affected with TSC2-related conditions. This variant is not present in population databases (gnomAD no frequency). This sequence change replaces alanine, which is neutral and non-polar, with valine, which is neutral and non-polar, at codon 121 of the TSC2 protein (p.Ala121Val). In summary, the available evidence is currently insufficient to determine the role of this variant in disease. Therefore, it has been classified as a Variant of Uncertain Significance. Advanced modeling of protein sequence and biophysical properties (such as structural, functional, and spatial information, amino acid conservation, physicochemical variation, residue mobility, and thermodynamic stability) performed at Invitae indicates that this missense variant is not expected to disrupt TSC2 protein function.